The following is an entry in ClinVar:

NM_020964.3(EPG5):c.4909C>T (p.Leu1637Phe)

Gene: EPG5 (ectopic P-granules 5 autophagy tethering factor; minus strand). Cytogenetic location: 18q12.3.
Variant type: single nucleotide variant.
Coding change: c.4909C>T on transcript NM_020964.3 (MANE Select); coding-DNA position 4909, C replaced by T.
Protein change: p.Leu1637Phe; replaces leucine 1637 with phenylalanine.
Molecular consequence: missense variant.
Genome position (GRCh38, 1-based): chr18:45,889,841, G>A on the plus strand (C>T on the coding strand, the complement: EPG5 is on the minus strand). VCF-style: chr18-45889841-G-A. GRCh37 (hg19) VCF-style: chr18-43469806-G-A.
Other names: c.4909C>T, p.Leu1637Phe (NM_001410858.1, NM_001410859.1); short protein forms L1637F.
Identifiers: ClinVar variation 3671654 (VCV003671654.2).

ClinVar aggregate classification (germline): Uncertain significance (1 of 4 stars; one submission).

Conditions:
Vici syndrome (VICIS). Identifiers: Orphanet 1493, MedGen C1855772, MONDO:0009452, OMIM 242840.

gnomAD v4.1: 1 of 1,612,268 alleles (0.000062%); no homozygotes.

Submission:

Labcorp Genetics (formerly Invitae), Labcorp
Classification: Uncertain significance for Vici syndrome. Last evaluated: 2024-09-04. Review status: criteria provided, single submitter. Criteria: Invitae Variant Classification Sherloc (09022015). Collection method: clinical testing. Allele origin: germline.
Comment: This sequence change replaces leucine, which is neutral and non-polar, with phenylalanine, which is neutral and non-polar, at codon 1637 of the EPG5 protein (p.Leu1637Phe). This variant is not present in population databases (gnomAD no frequency). This variant has not been reported in the literature in individuals affected with EPG5-related conditions. Invitae Evidence Modeling of protein sequence and biophysical properties (such as structural, functional, and spatial information, amino acid conservation, physicochemical variation, residue mobility, and thermodynamic stability) indicates that this missense variant is expected to disrupt EPG5 protein function with a positive predictive value of 80%. In summary, the available evidence is currently insufficient to determine the role of this variant in disease. Therefore, it has been classified as a Variant of Uncertain Significance.